The following is an entry in ClinVar:

ClinVar aggregate classification (germline): Benign/Likely benign. Review status: criteria provided, multiple submitters, no conflicts (2 of 4 stars). 2 submissions from 2 submitters: Benign (1); Likely benign (1). Last evaluated 2026-07-01.

gnomAD v4.1: 104 of 1,209,895 alleles (0.0086%); highest among the groups gnomAD compares: Admixed American, 0.0087%; no homozygotes.

Submissions (2):

CeGaT Center for Human Genetics Tuebingen
Classification: Likely benign. Last evaluated: 2026-07-01. Review status: criteria provided, single submitter. Criteria: CeGaT Center For Human Genetics Tuebingen Variant Classification Criteria Version 2. Collection method: clinical testing. Allele origin: germline. Affected: yes. Observed: 1 variant allele.
Comment: TLR7: BP4, BS2

Labcorp Genetics (formerly Invitae), Labcorp
Classification: Benign. Last evaluated: 2025-09-21. Review status: criteria provided, single submitter. Criteria: Invitae Variant Classification Sherloc (09022015). Collection method: clinical testing. Allele origin: germline.

NM_016562.4(TLR7):c.2520G>A (p.Leu840=)

Gene: TLR7 (toll like receptor 7; plus strand). Cytogenetic location: Xp22.2.
Variant type: single nucleotide variant.
Coding change: c.2520G>A on transcript NM_016562.4 (MANE Select); coding-DNA position 2520, G replaced by A.
Protein change: p.Leu840=; no amino-acid change (leucine 840 retained).
Molecular consequence: synonymous variant.
Genome position (GRCh38, 1-based): chrX:12,888,028, G>A. VCF-style: chrX-12888028-G-A. GRCh37 (hg19) VCF-style: chrX-12906147-G-A.
Identifiers: ClinVar variation 2185918 (VCV002185918.5), dbSNP rs61734443, ClinGen allele CA10350084.
Genomic context (GRCh38, chrX:12,888,028, plus strand): 5'-CAAGGGCCAAAGTGTGATCTCCCTGGATCTGTACACCTGTGAGTTAGATCTGACTAACCT[G>A]ATTCTGTTCTCACTTTCCATATCTGTATCTCTCTTTCTCATGGTGATGATGACAGCAAGT-3'
Protein context (NP_057646.1, residues 830-850): LYTCELDLTN[Leu840=]ILFSLSISVS